The following is an entry in ClinVar:

ClinVar aggregate classification (germline): Benign. Review status: criteria provided, multiple submitters, no conflicts (2 of 4 stars). 7 submissions from 7 submitters: Benign (7). Last evaluated 2026-02-04.

Conditions:
Ciliary dyskinesia, primary, 42. Also called: CILIARY DYSKINESIA, PRIMARY, 42, WITHOUT SITUS INVERSUS. Identifiers: MedGen C5231464, MONDO:0032872, OMIM 618695.
Primary ciliary dyskinesia. Also called: Ciliary dyskinesia. Identifiers: Orphanet 244, MedGen C0008780, MONDO:0016575, HP:0012265.

Allele frequency attached by ClinVar (database versions not stated): 1000 Genomes Project 30x 0.48704; 1000 Genomes Project 0.48842; TOPMed 0.52297; gnomAD 0.52860 and 0.53293; gnomAD exomes 0.58263 and 0.61837; ExAC 0.61405.
gnomAD v4.1: 935,619 of 1,535,834 alleles (61%); highest among the groups gnomAD compares: Non-Finnish European, 63%; 289,311 homozygotes.

Submissions (7):

Labcorp Genetics (formerly Invitae), Labcorp
Classification: Benign for Primary ciliary dyskinesia. Last evaluated: 2026-02-04. Review status: criteria provided, single submitter. Criteria: Invitae Variant Classification Sherloc (09022015). Collection method: clinical testing. Allele origin: germline.

Blueprint Genetics
Classification: Benign. Last evaluated: 2024-11-26. Review status: criteria provided, single submitter. Criteria: ACMG Guidelines, 2015. Collection method: clinical testing. Allele origin: germline.

Mayo Clinic Laboratories, Mayo Clinic
Classification: Benign. Last evaluated: 2022-04-26. Review status: criteria provided, single submitter. Criteria: ACMG Guidelines, 2015. Collection method: clinical testing. Allele origin: germline. Observed: 165 variant alleles.

Genome-Nilou Lab
Classification: Benign for Ciliary dyskinesia, primary, 42. Last evaluated: 2021-09-05. Review status: criteria provided, single submitter. Criteria: ACMG Guidelines, 2015. Collection method: clinical testing. Allele origin: germline. Affected: no.

GeneDx
Classification: Benign. Last evaluated: 2021-05-04. Review status: criteria provided, single submitter. Criteria: GeneDx Variant Classification Process June 2021. Collection method: clinical testing. Allele origin: germline. Affected: yes.

Laboratory for Molecular Medicine, Mass General Brigham Personalized Medicine
Classification: Benign. Last evaluated: 2016-03-28. Review status: criteria provided, single submitter. Criteria: LMM Criteria. Collection method: clinical testing. Allele origin: germline.
Comment: Variant identified in a genome or exome case(s) and assessed due to predicted null impact of the variant or pathogenic assertions in the literature or databases. Disclaimer: This variant has not undergone full assessment. The following are preliminary notes: Frequency

Breakthrough Genomics
Classification: Benign. Review status: criteria provided, single submitter. Criteria: ACMG Guidelines, 2015. Collection method: not provided. Allele origin: germline. Inheritance: Autosomal recessive inheritance. Affected: yes.

NM_001190787.3(MCIDAS):c.831C>T (p.Cys277=)

Gene: MCIDAS (multiciliate differentiation and DNA synthesis associated cell cycle protein; minus strand). Cytogenetic location: 5q11.2.
Variant type: single nucleotide variant.
Coding change: c.831C>T on transcript NM_001190787.3 (MANE Select); coding-DNA position 831, C replaced by T.
Protein change: p.Cys277=; no amino-acid change (cysteine 277 retained).
Molecular consequence: synonymous variant.
Genome position (GRCh38, 1-based): chr5:55,220,693, G>A on the plus strand (C>T on the coding strand, the complement: MCIDAS is on the minus strand). VCF-style: chr5-55220693-G-A. GRCh37 (hg19) VCF-style: chr5-54516521-G-A.
Other names: p.Cys277=.
Identifiers: ClinVar variation 403074 (VCV000403074.21), dbSNP rs6879219, ClinGen allele CA3266554.